The following is an entry in ClinVar:

NM_017780.4(CHD7):c.2556del (p.Gln853fs)

Gene: CHD7 (chromodomain helicase DNA binding protein 7; plus strand). Cytogenetic location: 8q12.2.
Variant type: Deletion.
Coding change: c.2556del on transcript NM_017780.4 (MANE Select); coding-DNA position 2556, one base deleted (T; older notation c.2556delT).
Protein change: p.Gln853fs; shifts the reading frame from glutamine 853.
Molecular consequence: frameshift variant. On other transcripts: intron variant (1).
Genome position (GRCh38, 1-based): chr8:60,816,444, T deleted; the last of 2 consecutive T bases (chr8:60,816,443-60,816,444); deleting either gives the same sequence. VCF-style (leftmost placement, unchanged base first): chr8-60816442-AT-A. GRCh37 (hg19) VCF-style: chr8-61729001-AT-A.
Other names: c.2556delT (NM_017780.4); c.1716+35394del (NM_001316690.1); short protein forms Q853fs.
Identifiers: ClinVar variation 3911898 (VCV003911898.1).

ClinVar aggregate classification (germline): Likely pathogenic (0 of 4 stars; one submission).

Conditions:
CHARGE syndrome (CHARGE). Also called: Hittner Hirsch Kreh syndrome; CHARGE ASSOCIATION--COLOBOMA, HEART ANOMALY, CHOANAL ATRESIA, RETARDATION, GENITAL AND EAR ANOMALIES; Coloboma, heart anomaly, choanal atresia, retardation, genital and ear anomalies; CHARGE association; Hall-Hittner syndrome. Identifiers: Orphanet 138, MedGen C0265354, MONDO:0008965.

Submission:

Medical Genetics and Prenatal Diagnosis Center, The Third Affiliated Hospital of Zhengzhou University
Classification: Likely pathogenic for CHD7-related CHARGE syndrome. Review status: no assertion criteria provided. Collection method: clinical testing. Allele origin: de novo. Affected: yes.
Comment: This sequence change creates a premature translational stop signal (p.(Q853SfsTer35)) in the CHD7 gene(PVS1). This variant was not reported in population-based cohorts in the Genome Aggregation Database (gnomAD).(PM2)